The following is an entry in ClinVar:

NM_182961.4(SYNE1):c.11656C>A (p.Leu3886Met)

Gene: SYNE1 (spectrin repeat containing nuclear envelope protein 1; minus strand). Cytogenetic location: 6q25.2.
Variant type: single nucleotide variant.
Coding change: c.11656C>A on transcript NM_182961.4 (MANE Select); coding-DNA position 11656, C replaced by A.
Protein change: p.Leu3886Met; replaces leucine 3886 with methionine.
Molecular consequence: missense variant.
Genome position (GRCh38, 1-based): chr6:152,350,695, G>T on the plus strand (C>A on the coding strand, the complement: SYNE1 is on the minus strand). VCF-style: chr6-152350695-G-T. GRCh37 (hg19) VCF-style: chr6-152671830-G-T.
Other names: c.11611C>A, p.Leu3871Met (NM_033071.5); short protein forms L3871M, L3886M.
Identifiers: ClinVar variation 648309 (VCV000648309.8), dbSNP rs755039909, ClinGen allele CA4056629.

ClinVar aggregate classification (germline): Uncertain significance (1 of 4 stars; one submission).

Conditions:
Autosomal recessive ataxia, Beauce type. Also called: Spinocerebellar ataxia, autosomal recessive 8; ATAXIA, RECESSIVE, OF BEAUCE; SYNE1 Deficiency; SYNE1-Related Autosomal Recessive Cerebellar Ataxia. Identifiers: Orphanet 88644, MedGen C1853116, MONDO:0012549, OMIM 610743.
Emery-Dreifuss muscular dystrophy 4, autosomal dominant (EDMD4). Also called: EMERY-DREIFUSS MUSCULAR DYSTROPHY 4 WITH VARIABLE FEATURES. Identifiers: Orphanet 261, MedGen C2751807, MONDO:0013071, OMIM 612998.

Allele frequency attached by ClinVar (database versions not stated): ExAC 0.00001; gnomAD 0.00001.
gnomAD v4.1: 1 of 1,613,878 alleles (0.000062%); highest among the groups gnomAD compares: East Asian, 0.0022%; no homozygotes.

Submission:

Labcorp Genetics (formerly Invitae), Labcorp
Classification: Uncertain significance for Emery-Dreifuss muscular dystrophy 4, autosomal dominant; Autosomal recessive ataxia, Beauce type. Last evaluated: 2022-11-15. Review status: criteria provided, single submitter. Criteria: Invitae Variant Classification Sherloc (09022015). Collection method: clinical testing. Allele origin: germline.
Comment: In summary, the available evidence is currently insufficient to determine the role of this variant in disease. Therefore, it has been classified as a Variant of Uncertain Significance. Algorithms developed to predict the effect of missense changes on protein structure and function output the following: SIFT: "Tolerated"; PolyPhen-2: "Benign"; Align-GVGD: "Class C0". The methionine amino acid residue is found in multiple mammalian species, which suggests that this missense change does not adversely affect protein function. ClinVar contains an entry for this variant (Variation ID: 648309). This variant has not been reported in the literature in individuals affected with SYNE1-related conditions. This variant is present in population databases (rs755039909, gnomAD 0.006%). This sequence change replaces leucine, which is neutral and non-polar, with methionine, which is neutral and non-polar, at codon 3871 of the SYNE1 protein (p.Leu3871Met).